The following is an entry in ClinVar:

NM_005629.4(SLC6A8):c.951C>T (p.Tyr317=)

Gene: SLC6A8 (solute carrier family 6 member 8; plus strand). Cytogenetic location: Xq28.
Variant type: single nucleotide variant.
Coding change: c.951C>T on transcript NM_005629.4 (MANE Select); coding-DNA position 951, C replaced by T.
Protein change: p.Tyr317=; no amino-acid change (tyrosine 317 retained).
Molecular consequence: synonymous variant.
Genome position (GRCh38, 1-based): chrX:153,693,301, C>T. VCF-style: chrX-153693301-C-T. GRCh37 (hg19) VCF-style: chrX-152958756-C-T.
Other names: c.951C>T, p.Tyr317= (NM_001142805.2); c.606C>T, p.Tyr202= (NM_001142806.1).
Identifiers: ClinVar variation 379397 (VCV000379397.11), dbSNP rs371516458, ClinGen allele CA10549368.
Genomic context (GRCh38, chrX:153,693,301, plus strand): 5'-GCGCTCTCCGGCCCTTCTCTAGGTGTGGATAGATGCGGGGACCCAGATTTTCTTTTCTTA[C>T]GCCATTGGCCTGGGGGCCCTCACAGCCCTGGGCAGCTACAACCGCTTCAACAACAACTGC-3'
Protein context (NP_005620.1, residues 307-327): IDAGTQIFFS[Tyr317=]AIGLGALTAL

ClinVar aggregate classification (germline): Likely benign. Review status: criteria provided, multiple submitters, no conflicts (2 of 4 stars). 2 submissions from 2 submitters: Likely benign (2). Last evaluated 2024-02-20.

Conditions:
Creatine transporter deficiency (CCDS1). Also called: SLC6A8-Related Creatine Transporter Deficiency; CREATINE TRANSPORTER DEFECT; CEREBRAL CREATINE DEFICIENCY SYNDROME 1; Mental retardation , X-linked with seizures, short stature and midface hypoplasia; Mental retardation , X-linked, with creatine transport deficiency; X-linked creatine transporter deficiency. Identifiers: Orphanet 52503, MedGen C1845862, MONDO:0010305, OMIM 300352.

Allele frequency attached by ClinVar (database versions not stated): TOPMed below 0.00001; gnomAD exomes 0.00001 and 0.00002; ExAC 0.00002; ESP Exome Variant Server 0.00009.
gnomAD v4.1: 18 of 1,211,421 alleles (0.0015%); highest among the groups gnomAD compares: Non-Finnish European, 0.0019%; no homozygotes.

Submissions (2):

Labcorp Genetics (formerly Invitae), Labcorp
Classification: Likely benign for Creatine transporter deficiency. Last evaluated: 2024-02-20. Review status: criteria provided, single submitter. Criteria: Invitae Variant Classification Sherloc (09022015). Collection method: clinical testing. Allele origin: germline.

GeneDx
Classification: Likely benign. Last evaluated: 2016-05-16. Review status: criteria provided, single submitter. Criteria: GeneDx Variant Classification (06012015). Collection method: clinical testing. Allele origin: germline. Affected: yes.
Comment: This variant is considered likely benign or benign based on one or more of the following criteria: it is a conservative change, it occurs at a poorly conserved position in the protein, it is predicted to be benign by multiple in silico algorithms, and/or has population frequency not consistent with disease.